The following is an entry in ClinVar:

ClinVar aggregate classification (germline): Pathogenic (1 of 4 stars; one submission).

gnomAD v4.1: 1 of 1,523,508 alleles (0.000066%); highest among the groups gnomAD compares: Non-Finnish European, 0.000088%; no homozygotes.

Submission:

Labcorp Genetics (formerly Invitae), Labcorp
Classification: Pathogenic. Last evaluated: 2022-08-20. Review status: criteria provided, single submitter. Criteria: Invitae Variant Classification Sherloc (09022015). Collection method: clinical testing. Allele origin: germline.
Comment: For these reasons, this variant has been classified as Pathogenic. This variant has not been reported in the literature in individuals affected with MESP2-related conditions. This variant is not present in population databases (gnomAD no frequency). This sequence change creates a premature translational stop signal (p.Gln82*) in the MESP2 gene. It is expected to result in an absent or disrupted protein product. Loss-of-function variants in MESP2 are known to be pathogenic (PMID: 9242490, 18485326).

Literature cited by the submitters: PubMed 9242490; PubMed 18485326.

NM_001039958.2(MESP2):c.244C>T (p.Gln82Ter)

Genes: MESP2 (mesoderm posterior bHLH transcription factor 2; plus strand), LOC130057891 (ATAC-STARR-seq lymphoblastoid silent region 6806; plus strand). Cytogenetic location: 15q26.1.
Variant type: single nucleotide variant.
Coding change: c.244C>T on transcript NM_001039958.2 (MANE Select); coding-DNA position 244, C replaced by T.
Protein change: p.Gln82Ter; replaces glutamine 82 with a stop codon.
Molecular consequence: nonsense.
Genome position (GRCh38, 1-based): chr15:89,776,601, C>T. VCF-style: chr15-89776601-C-T. GRCh37 (hg19) VCF-style: chr15-90319832-C-T.
Other names: short protein forms Q82*.
Identifiers: ClinVar variation 2016034 (VCV002016034.4), dbSNP rs2505185403, ClinGen allele CA393769374.
Genomic context (GRCh38, chr15:89,776,601, plus strand): 5'-CGAGCCGCAGAGGCAGCCGCGACGACGCCCAGACGAGCGCGCACCGGACCAGCGGGCGGA[C>T]AGCGGCAGAGCGCCAGCGAGCGGGAGAAACTGCGCATGCGCACGCTGGCCCGCGCCCTGC-3'